The following is an entry in ClinVar:

NM_000059.4(BRCA2):c.5377A>C (p.Asn1793His)

Gene: BRCA2 (BRCA2 DNA repair associated; plus strand). Cytogenetic location: 13q13.1.
Variant type: single nucleotide variant.
Coding change: c.5377A>C on transcript NM_000059.4 (MANE Select); coding-DNA position 5377, A replaced by C.
Protein change: p.Asn1793His; replaces asparagine 1793 with histidine.
Molecular consequence: missense variant.
Genome position (GRCh38, 1-based): chr13:32,339,732, A>C. VCF-style: chr13-32339732-A-C. GRCh37 (hg19) VCF-style: chr13-32913869-A-C.
Other names: short protein forms N1793H.
Identifiers: ClinVar variation 825683 (VCV000825683.21), dbSNP rs1593905298, ClinGen allele CA387785178.
Genomic context (GRCh38, chr13:32,339,732, plus strand): 5'-GAGCCAGTATTGAAGAATGTTGAAGATCAAAAAAACACTAGTTTTTCCAAAGTAATATCC[A>C]ATGTAAAAGATGCAAATGCATACCCACAAACTGTAAATGAAGATATTTGCGTTGAGGAAC-3'
Protein context (NP_000050.3, residues 1783-1803): KNTSFSKVIS[Asn1793His]VKDANAYPQT

ClinVar aggregate classification (germline): Conflicting classifications of pathogenicity. Review status: criteria provided, conflicting classifications (1 of 4 stars). 5 submissions from 5 submitters: Uncertain significance (4); Likely benign (1). Last evaluated 2025-03-31.

Conditions:
Hereditary breast ovarian cancer syndrome. Also called: Hereditary breast and ovarian cancer syndrome (HBOC); BRCA1- and BRCA2-Associated Hereditary Breast and Ovarian Cancer; Hereditary breast and ovarian cancer syndrome; Breast and ovarian cancer; Hereditary breast and/or ovarian cancer syndrome; Hereditary breast and ovarian cancer. Identifiers: Orphanet 145, MedGen C0677776, MeSH D061325, MONDO:0003582. Disease mechanism: loss of function.
Breast-ovarian cancer, familial, susceptibility to, 2 (BROVCA2). Also called: BRCA2 Hereditary Breast and Ovarian Cancer. Identifiers: Orphanet 145, MedGen C2675520, MONDO:0012933, OMIM 612555. Disease mechanism: loss of function.
Hereditary cancer-predisposing syndrome. Also called: Neoplastic Syndromes, Hereditary; Hereditary Cancer Syndrome; Hereditary neoplastic syndrome; Tumor predisposition. Identifiers: Orphanet 140162, MedGen C0027672, MeSH D009386, MONDO:0015356.

Submissions (5):

Labcorp Genetics (formerly Invitae), Labcorp
Classification: Uncertain significance for Hereditary breast ovarian cancer syndrome. Last evaluated: 2025-03-31. Review status: criteria provided, single submitter. Criteria: Invitae Variant Classification Sherloc (09022015). Collection method: clinical testing. Allele origin: germline.
Comment: This sequence change replaces asparagine, which is neutral and polar, with histidine, which is basic and polar, at codon 1793 of the BRCA2 protein (p.Asn1793His). This variant is not present in population databases (gnomAD no frequency). This variant has not been reported in the literature in individuals affected with BRCA2-related conditions. ClinVar contains an entry for this variant (Variation ID: 825683). Invitae Evidence Modeling of protein sequence and biophysical properties (such as structural, functional, and spatial information, amino acid conservation, physicochemical variation, residue mobility, and thermodynamic stability) indicates that this missense variant is not expected to disrupt BRCA2 protein function with a negative predictive value of 95%. In summary, the available evidence is currently insufficient to determine the role of this variant in disease. Therefore, it has been classified as a Variant of Uncertain Significance.

Ambry Genetics
Classification: Uncertain significance for Hereditary cancer-predisposing syndrome. Last evaluated: 2024-07-26. Review status: criteria provided, single submitter. Criteria: Ambry Variant Classification Scheme 2023. Collection method: clinical testing. Allele origin: germline.
Comment: The p.N1793H variant (also known as c.5377A>C), located in coding exon 10 of the BRCA2 gene, results from an A to C substitution at nucleotide position 5377. The asparagine at codon 1793 is replaced by histidine, an amino acid with similar properties. This amino acid position is poorly conserved in available vertebrate species. In addition, this alteration is predicted to be tolerated by in silico analysis. Since supporting evidence is limited at this time, the clinical significance of this alteration remains unclear.

All of Us Research Program, National Institutes of Health
Classification: Uncertain significance for Breast-ovarian cancer, familial, susceptibility to, 2. Last evaluated: 2023-03-23. Review status: criteria provided, single submitter. Criteria: ACMG Guidelines, 2015. Collection method: clinical testing. Allele origin: germline. Inheritance: Autosomal dominant inheritance. Observed: 1 variant allele, 1 heterozygote.
Comment: This missense variant replaces asparagine with histidine at codon 1793 of the BRCA2 protein. Computational prediction suggests that this variant may not impact protein structure and function (internally defined REVEL score threshold <= 0.5, PMID: 27666373). To our knowledge, functional studies have not been reported for this variant. This variant has not been reported in individuals affected with hereditary cancer in the literature. This variant has not been identified in the general population by the Genome Aggregation Database (gnomAD). The available evidence is insufficient to determine the role of this variant in disease conclusively. Therefore, this variant is classified as a Variant of Uncertain Significance.

This study involves interpretation of variants in research participants for the purpose of population health screening. Participant phenotype was not available at the time of variant classification. Additional details can be found in publication PMID: 35346344, PMCID: PMC8962531

University of Washington Department of Laboratory Medicine, University of Washington
Classification: Likely benign for Hereditary cancer-predisposing syndrome. Last evaluated: 2023-03-23. Review status: criteria provided, single submitter. Criteria: Dines et al. (Genet Med. 2020). Collection method: curation. Allele origin: germline.
Comment: Missense variant in a coldspot region where missense variants are very unlikely to be pathogenic (PMID:31911673).

BRCA2 exon 11 coldspot. Reclassification based on statistical prior probability.

Color Diagnostics, LLC DBA Color Health
Classification: Uncertain significance for Hereditary cancer-predisposing syndrome. Last evaluated: 2023-02-22. Review status: criteria provided, single submitter. Criteria: ACMG Guidelines, 2015. Collection method: clinical testing. Allele origin: germline.
Comment: This missense variant replaces asparagine with histidine at codon 1793 of the BRCA2 protein. Computational prediction suggests that this variant may not impact protein structure and function (internally defined REVEL score threshold <= 0.5, PMID: 27666373). To our knowledge, functional studies have not been reported for this variant. This variant has not been reported in individuals affected with hereditary cancer in the literature. This variant has not been identified in the general population by the Genome Aggregation Database (gnomAD). The available evidence is insufficient to determine the role of this variant in disease conclusively. Therefore, this variant is classified as a Variant of Uncertain Significance.